The following is an entry in ClinVar:

ClinVar aggregate classification (germline): Conflicting classifications of pathogenicity. Review status: criteria provided, conflicting classifications (1 of 4 stars). 2 submissions from 2 submitters: Uncertain significance (1); Likely benign (1). Last evaluated 2025-11-03.

Conditions:
Bethlem myopathy 1A. Also called: Bethlem Muscular Dystrophy; Bethlem myopathy 1; MYOPATHY, BENIGN CONGENITAL, WITH CONTRACTURES. Identifiers: Orphanet 610, MedGen CN029274, MONDO:0024530, OMIM 158810.

Allele frequency attached by ClinVar (database versions not stated): gnomAD exomes below 0.00001; ExAC 0.00001.
gnomAD v4.1: 5 of 1,613,854 alleles (0.00031%); highest among the groups gnomAD compares: Non-Finnish European, 0.00042%; no homozygotes.

Submissions (2):

Labcorp Genetics (formerly Invitae), Labcorp
Classification: Likely benign for Bethlem myopathy 1A. Last evaluated: 2025-11-03. Review status: criteria provided, single submitter. Criteria: Invitae Variant Classification Sherloc (09022015). Collection method: clinical testing. Allele origin: germline.

Kariminejad - Najmabadi Pathology & Genetics Center
Classification: Uncertain significance. Last evaluated: 2022-01-17. Review status: criteria provided, single submitter. Criteria: ACMG Guidelines, 2015. Collection method: clinical testing. Allele origin: germline. Inheritance: Autosomal dominant inheritance. Affected: yes.
Comment: PM2, PP3

NM_004369.4(COL6A3):c.8045C>T (p.Pro2682Leu)

Gene: COL6A3 (collagen type VI alpha 3 chain; minus strand). Cytogenetic location: 2q37.3.
Variant type: single nucleotide variant.
Coding change: c.8045C>T on transcript NM_004369.4 (MANE Select); coding-DNA position 8045, C replaced by T.
Protein change: p.Pro2682Leu; replaces proline 2682 with leucine.
Molecular consequence: missense variant.
Genome position (GRCh38, 1-based): chr2:237,340,871, G>A on the plus strand (C>T on the coding strand, the complement: COL6A3 is on the minus strand). VCF-style: chr2-237340871-G-A. GRCh37 (hg19) VCF-style: chr2-238249514-G-A.
Other names: c.6224C>T, p.Pro2075Leu (NM_057166.5); c.7427C>T, p.Pro2476Leu (NM_057167.4); short protein forms P2476L, P2075L, P2682L.
Identifiers: ClinVar variation 665899 (VCV000665899.10), dbSNP rs761740861, ClinGen allele CA2187636.